The following is an entry in ClinVar:

NM_176787.5(PIGN):c.366G>C (p.Glu122Asp)

Gene: PIGN (phosphatidylinositol glycan anchor biosynthesis class N; minus strand). Cytogenetic location: 18q21.33.
Variant type: single nucleotide variant.
Coding change: c.366G>C on transcript NM_176787.5 (MANE Select); coding-DNA position 366, G replaced by C.
Protein change: p.Glu122Asp; replaces glutamic acid 122 with aspartic acid.
Molecular consequence: missense variant.
Genome position (GRCh38, 1-based): chr18:62,157,205, C>G on the plus strand (G>C on the coding strand, the complement: PIGN is on the minus strand). VCF-style: chr18-62157205-C-G. GRCh37 (hg19) VCF-style: chr18-59824438-C-G.
Other names: c.366G>C, p.Glu122Asp (NM_012327.6); short protein forms E122D.
Identifiers: ClinVar variation 940122 (VCV000940122.7), dbSNP rs995354792, ClinGen allele CA301694298.

ClinVar aggregate classification (germline): Uncertain significance (1 of 4 stars; one submission).

Conditions:
Multiple congenital anomalies-hypotonia-seizures syndrome 1 (MCAHS1). Also called: PIGN-CDG; Congenital disorder of glycosylation due to PIGN deficiency; GLYCOSYLPHOSPHATIDYLINOSITOL BIOSYNTHESIS DEFECT 3. Identifiers: Orphanet 280633, MedGen C3279775, MONDO:0013563, OMIM 614080.

Allele frequency attached by ClinVar (database versions not stated): gnomAD exomes 0.00001; TOPMed below 0.00001.
gnomAD v4.1: 8 of 1,605,746 alleles (0.0005%); highest among the groups gnomAD compares: Admixed American, 0.0034%; no homozygotes.

Submission:

Labcorp Genetics (formerly Invitae), Labcorp
Classification: Uncertain significance for Multiple congenital anomalies-hypotonia-seizures syndrome 1. Last evaluated: 2022-08-12. Review status: criteria provided, single submitter. Criteria: Invitae Variant Classification Sherloc (09022015). Collection method: clinical testing. Allele origin: germline.
Comment: This sequence change replaces glutamic acid, which is acidic and polar, with aspartic acid, which is acidic and polar, at codon 122 of the PIGN protein (p.Glu122Asp). This variant is present in population databases (no rsID available, gnomAD 0.006%). This variant has not been reported in the literature in individuals affected with PIGN-related conditions. ClinVar contains an entry for this variant (Variation ID: 940122). Algorithms developed to predict the effect of missense changes on protein structure and function (SIFT, PolyPhen-2, Align-GVGD) all suggest that this variant is likely to be tolerated. In summary, the available evidence is currently insufficient to determine the role of this variant in disease. Therefore, it has been classified as a Variant of Uncertain Significance.